The following is an entry in ClinVar:

NM_003321.5(TUFM):c.759C>T (p.Pro253=)

Gene: TUFM (Tu translation elongation factor, mitochondrial; minus strand). Cytogenetic location: 16p11.2.
Variant type: single nucleotide variant.
Coding change: c.759C>T on transcript NM_003321.5 (MANE Select); coding-DNA position 759, C replaced by T.
Protein change: p.Pro253=; no amino-acid change (proline 253 retained).
Molecular consequence: synonymous variant.
Genome position (GRCh38, 1-based): chr16:28,844,477, G>A on the plus strand (C>T on the coding strand, the complement: TUFM is on the minus strand). VCF-style: chr16-28844477-G-A. GRCh37 (hg19) VCF-style: chr16-28855798-G-A.
Other names: c.759C>T, p.Pro253= (NM_001365360.2).
Identifiers: ClinVar variation 318749 (VCV000318749.47), dbSNP rs185379779, ClinGen allele CA7985544.

ClinVar aggregate classification (germline): Conflicting classifications of pathogenicity. Review status: criteria provided, conflicting classifications (1 of 4 stars). 5 submissions from 5 submitters: Uncertain significance (1); Likely benign (3). 1 of the submissions does not count toward it. Last evaluated 2026-01-19.

Conditions:
TUFM-related disorder. Also called: TUFM-related condition.
Combined oxidative phosphorylation defect type 4. Identifiers: Orphanet 254925, MedGen C1857682, MONDO:0012534, OMIM 610678.

Allele frequency attached by ClinVar (database versions not stated): ESP Exome Variant Server 0.00015; 1000 Genomes Project 30x 0.00016; ExAC 0.00019; 1000 Genomes Project 0.00020; gnomAD exomes 0.00026 and 0.00038; gnomAD 0.00027 and 0.00029; TOPMed 0.00030.

Submissions (5):

Labcorp Genetics (formerly Invitae), Labcorp
Classification: Likely benign. Last evaluated: 2026-01-19. Review status: criteria provided, single submitter. Criteria: Invitae Variant Classification Sherloc (09022015). Collection method: clinical testing. Allele origin: germline.

CeGaT Center for Human Genetics Tuebingen
Classification: Likely benign. Last evaluated: 2023-06-01. Review status: criteria provided, single submitter. Criteria: CeGaT Center For Human Genetics Tuebingen Variant Classification Criteria Version 2. Collection method: clinical testing. Allele origin: germline. Affected: yes. Observed: 2 variant alleles.
Comment: TUFM: BP4, BP7

GeneDx
Classification: Likely benign. Last evaluated: 2020-09-03. Review status: criteria provided, single submitter. Criteria: GeneDx Variant Classification Process June 2021. Collection method: clinical testing. Allele origin: germline. Affected: yes.

Illumina Laboratory Services, Illumina
Classification: Uncertain significance for Combined oxidative phosphorylation defect type 4. Last evaluated: 2018-01-13. Review status: criteria provided, single submitter. Criteria: ICSL Variant Classification Criteria 13 December 2019. Collection method: clinical testing. Allele origin: germline.

PreventionGenetics, part of Exact Sciences
Classification: Likely benign for TUFM-related condition. Last evaluated: 2019-07-12. Review status: no assertion criteria provided. Collection method: clinical testing. Allele origin: germline. Not counted in ClinVar's aggregate classification.
Comment: This variant is classified as likely benign based on ACMG/AMP sequence variant interpretation guidelines (Richards et al. 2015 PMID: 25741868, with internal and published modifications).